The following is an entry in ClinVar:

NM_152703.5(SAMD9L):c.1447A>G (p.Lys483Glu)

Gene: SAMD9L (sterile alpha motif domain containing 9 like; minus strand). Cytogenetic location: 7q21.2.
Variant type: single nucleotide variant.
Coding change: c.1447A>G on transcript NM_152703.5 (MANE Select); coding-DNA position 1447, A replaced by G.
Protein change: p.Lys483Glu; replaces lysine 483 with glutamic acid.
Molecular consequence: missense variant.
Genome position (GRCh38, 1-based): chr7:93,134,525, T>C on the plus strand (A>G on the coding strand, the complement: SAMD9L is on the minus strand). VCF-style: chr7-93134525-T-C. GRCh37 (hg19) VCF-style: chr7-92763838-T-C.
Other names: c.1447A>G, p.Lys483Glu (NM_001303496.3, NM_001303497.3, NM_001303498.3 and 5 more transcripts); c.1447A>G (NM_152703.2); short protein forms K483E.
Identifiers: ClinVar variation 3368859 (VCV003368859.2).
Genomic context (GRCh38, chr7:93,134,525, plus strand): 5'-CTGATCTGCCGTTGCAGAAAATCCAGCTGGGCTGTTGGTAAAGATTAAGAGTAGAAATCT[T>C]CTCCCACATGTTAGTTGTCTTGTCTTCATATTGATTTGGAAAGTGAAGGTTTGCCACCCG-3'
Protein context (NP_689916.2, residues 473-493): YEDKTTNMWE[Lys483Glu]ISTLNLYQQP

ClinVar aggregate classification (germline): Uncertain significance. Review status: criteria provided, multiple submitters, no conflicts (2 of 4 stars). 2 submissions from 2 submitters: Uncertain significance (2). Last evaluated 2024-12-22.

Conditions:
Inborn genetic diseases. Identifiers: MedGen C0950123, MeSH D030342.

gnomAD v4.1: 3 of 1,613,908 alleles (0.00019%); highest among the groups gnomAD compares: Non-Finnish European, 0.00025%; no homozygotes.

Submissions (2):

Ambry Genetics
Classification: Uncertain significance for Inborn genetic diseases. Last evaluated: 2024-12-22. Review status: criteria provided, single submitter. Criteria: Ambry Variant Classification Scheme 2023. Collection method: clinical testing. Allele origin: germline.
Comment: The p.K483E variant (also known as c.1447A>G), located in coding exon 1 of the SAMD9L gene, results from an A to G substitution at nucleotide position 1447. The lysine at codon 483 is replaced by glutamic acid, an amino acid with similar properties. This amino acid position is conserved. In addition, this alteration is predicted to be tolerated by in silico analysis. Based on the available evidence, the clinical significance of this variant remains unclear.

GeneDx
Classification: Uncertain significance. Last evaluated: 2024-02-05. Review status: criteria provided, single submitter. Criteria: GeneDx Variant Classification Process June 2021. Collection method: clinical testing. Allele origin: germline. Affected: yes.
Comment: Not observed at significant frequency in large population cohorts (gnomAD); In silico analysis supports that this missense variant does not alter protein structure/function; Has not been previously published as pathogenic or benign to our knowledge; This variant is associated with the following publications: (PMID: 28545555)